The following is an entry in ClinVar:

ClinVar aggregate classification (germline): Uncertain significance. Review status: criteria provided, multiple submitters, no conflicts (2 of 4 stars). 3 submissions from 3 submitters: Uncertain significance (3). Last evaluated 2024-07-20.

Conditions:
Left ventricular noncompaction 10 (LVNC10). Identifiers: Orphanet 154, Orphanet 54260, MedGen C3715165, MONDO:0014163, OMIM 615396.
Hypertrophic cardiomyopathy 4. Also called: Familial hypertrophic cardiomyopathy 4. Identifiers: MedGen C1861862, MONDO:0007268, OMIM 115197.
Hypertrophic cardiomyopathy. Also called: HYPERTROPHIC MYOCARDIOPATHY. Identifiers: Orphanet 217569, MedGen C0007194, MeSH D002312, MONDO:0005045, HP:0001639.

Allele frequency attached by ClinVar (database versions not stated): gnomAD exomes below 0.00001; TOPMed below 0.00001; gnomAD 0.00001.
gnomAD v4.1: 3 of 1,588,210 alleles (0.00019%); highest among the groups gnomAD compares: Non-Finnish European, 0.00026%; no homozygotes.

Submissions (3):

All of Us Research Program, National Institutes of Health
Classification: Uncertain significance for Hypertrophic cardiomyopathy. Last evaluated: 2024-07-20. Review status: criteria provided, single submitter. Criteria: ACMG Guidelines, 2015. Collection method: clinical testing. Allele origin: germline. Inheritance: Autosomal dominant inheritance. Observed: 1 variant allele, 1 heterozygote.
Comment: This missense variant replaces phenylalanine with serine at codon 12 of the MYBPC3 protein. Computational prediction suggests that this variant may have deleterious impact on protein structure and function (internally defined REVEL score threshold >= 0.7, PMID: 27666373). To our knowledge, functional studies have not been reported for this variant. This variant has not been reported in individuals affected with MYBPC3-related disorders in the literature. This variant has been identified in 1/231458 chromosomes in the general population by the Genome Aggregation Database (gnomAD). The available evidence is insufficient to determine the role of this variant in disease conclusively. Therefore, this variant is classified as a Variant of Uncertain Significance.

This study involves interpretation of variants in research participants for the purpose of population health screening. Participant phenotype was not available at the time of variant classification. Additional details can be found in publication PMID: 35346344, PMCID: PMC8962531

AiLife Diagnostics
Classification: Uncertain significance. Last evaluated: 2022-01-18. Review status: criteria provided, single submitter. Criteria: ACMG Guidelines, 2015. Collection method: clinical testing. Allele origin: germline. Affected: yes. Observed: 1 variant allele.

Fulgent Genetics
Classification: Uncertain significance for Hypertrophic cardiomyopathy 4; Left ventricular noncompaction 10. Last evaluated: 2021-08-03. Review status: criteria provided, single submitter. Criteria: ACMG Guidelines, 2015. Collection method: clinical testing. Allele origin: unknown.

NM_000256.3(MYBPC3):c.35T>C (p.Phe12Ser)

Gene: MYBPC3 (myosin binding protein C3; minus strand). Cytogenetic location: 11p11.2.
Variant type: single nucleotide variant.
Coding change: c.35T>C on transcript NM_000256.3 (MANE Select); coding-DNA position 35, T replaced by C.
Protein change: p.Phe12Ser; replaces phenylalanine 12 with serine.
Molecular consequence: missense variant.
Genome position (GRCh38, 1-based): chr11:47,351,496, A>G on the plus strand (T>C on the coding strand, the complement: MYBPC3 is on the minus strand). VCF-style: chr11-47351496-A-G. GRCh37 (hg19) VCF-style: chr11-47373047-A-G.
Other names: short protein forms F12S.
Identifiers: ClinVar variation 1677813 (VCV001677813.3), dbSNP rs1462884291, ClinGen allele CA380342058.